The following is an entry in ClinVar:

NM_018943.3(TUBA8):c.405C>T (p.Phe135=)

Gene: TUBA8 (tubulin alpha 8; plus strand). Cytogenetic location: 22q11.21.
Variant type: single nucleotide variant.
Coding change: c.405C>T on transcript NM_018943.3 (MANE Select); coding-DNA position 405, C replaced by T.
Protein change: p.Phe135=; no amino-acid change (phenylalanine 135 retained).
Molecular consequence: synonymous variant.
Genome position (GRCh38, 1-based): chr22:18,126,383, C>T. VCF-style: chr22-18126383-C-T. GRCh37 (hg19) VCF-style: chr22-18609150-C-T.
Other names: c.405C>T (NM_018943.2); c.207C>T, p.Phe69= (NM_001193414.2).
Identifiers: ClinVar variation 1538025 (VCV001538025.9), dbSNP rs774380642, ClinGen allele CA10093673.

ClinVar aggregate classification (germline): Likely benign. Review status: criteria provided, single submitter (1 of 4 stars). 2 submissions from 2 submitters: Likely benign (1). 1 of the submissions does not count toward it. Last evaluated 2021-02-15.

Conditions:
TUBA8-related disorder. Also called: TUBA8-related condition.

Allele frequency attached by ClinVar (database versions not stated): gnomAD exomes below 0.00001 and 0.00002; gnomAD 0.00001; TOPMed 0.00001; ExAC 0.00003.
gnomAD v4.1: 7 of 1,614,024 alleles (0.00043%); highest among the groups gnomAD compares: Admixed American, 0.005%; no homozygotes.

Submissions (2):

Labcorp Genetics (formerly Invitae), Labcorp
Classification: Likely benign. Last evaluated: 2021-02-15. Review status: criteria provided, single submitter. Criteria: Invitae Variant Classification Sherloc (09022015). Collection method: clinical testing. Allele origin: germline.

PreventionGenetics, part of Exact Sciences
Classification: Likely benign for TUBA8-related condition. Last evaluated: 2020-09-30. Review status: no assertion criteria provided. Collection method: clinical testing. Allele origin: germline. Not counted in ClinVar's aggregate classification.
Comment: This variant is classified as likely benign based on ACMG/AMP sequence variant interpretation guidelines (Richards et al. 2015 PMID: 25741868, with internal and published modifications).